The following is an entry in ClinVar:

NM_017841.4(SDHAF2):c.230G>A (p.Arg77Lys)

Gene: SDHAF2 (succinate dehydrogenase complex assembly factor 2; plus strand). Cytogenetic location: 11q12.2.
Variant type: single nucleotide variant.
Coding change: c.230G>A on transcript NM_017841.4 (MANE Select); coding-DNA position 230, G replaced by A.
Protein change: p.Arg77Lys; replaces arginine 77 with lysine.
Molecular consequence: missense variant.
Genome position (GRCh38, 1-based): chr11:61,437,818, G>A. VCF-style: chr11-61437818-G-A. GRCh37 (hg19) VCF-style: chr11-61205290-G-A.
Other names: c.230G>A (NM_017841.2); short protein forms R77K.
Identifiers: ClinVar variation 1348425 (VCV001348425.9), dbSNP rs755511528, ClinGen allele CA380683775.

ClinVar aggregate classification (germline): Uncertain significance. Review status: criteria provided, multiple submitters, no conflicts (2 of 4 stars). 2 submissions from 2 submitters: Uncertain significance (2). Last evaluated 2023-09-28.

Conditions:
Hereditary pheochromocytoma and paraganglioma. Also called: Hereditary paragangliomas and pheochromocytomas; Hereditary Paraganglioma-Pheochromocytoma Syndromes; Hereditary pheochromocytoma-paraganglioma. Identifiers: Orphanet 29072, MedGen C4274332, MONDO:0017366.
Hereditary cancer-predisposing syndrome. Also called: Tumor predisposition; Hereditary Cancer Syndrome; Hereditary neoplastic syndrome; Neoplastic Syndromes, Hereditary. Identifiers: Orphanet 140162, MedGen C0027672, MeSH D009386, MONDO:0015356.

gnomAD v4.1: 2 of 1,613,918 alleles (0.00012%); highest among the groups gnomAD compares: South Asian, 0.0022%; no homozygotes.

Submissions (2):

Ambry Genetics
Classification: Uncertain significance for Hereditary cancer-predisposing syndrome. Last evaluated: 2023-09-28. Review status: criteria provided, single submitter. Criteria: Ambry Variant Classification Scheme 2023. Collection method: clinical testing. Allele origin: germline.
Comment: The p.R77K variant (also known as c.230G>A), located in coding exon 2 of the SDHAF2 gene, results from a G to A substitution at nucleotide position 230. The arginine at codon 77 is replaced by lysine, an amino acid with highly similar properties. This amino acid position is conserved. In addition, this alteration is predicted to be deleterious by in silico analysis. Since supporting evidence is limited at this time, the clinical significance of this alteration remains unclear.

Labcorp Genetics (formerly Invitae), Labcorp
Classification: Uncertain significance for Hereditary pheochromocytoma and paraganglioma. Last evaluated: 2021-02-22. Review status: criteria provided, single submitter. Criteria: Invitae Variant Classification Sherloc (09022015). Collection method: clinical testing. Allele origin: germline.
Comment: This sequence change replaces arginine with lysine at codon 77 of the SDHAF2 protein (p.Arg77Lys). The arginine residue is highly conserved and there is a small physicochemical difference between arginine and lysine. This variant is not present in population databases (ExAC no frequency). This variant has not been reported in the literature in individuals with SDHAF2-related conditions. Algorithms developed to predict the effect of missense changes on protein structure and function are either unavailable or do not agree on the potential impact of this missense change (SIFT: "Deleterious"; PolyPhen-2: "Benign"; Align-GVGD: "Class C25"). In summary, the available evidence is currently insufficient to determine the role of this variant in disease. Therefore, it has been classified as a Variant of Uncertain Significance.